The following is an entry in ClinVar:

NM_004285.4(H6PD):c.225G>A (p.Glu75=)

Gene: H6PD (hexose-6-phosphate dehydrogenase/glucose 1-dehydrogenase; plus strand). Cytogenetic location: 1p36.22.
Variant type: single nucleotide variant.
Coding change: c.225G>A on transcript NM_004285.4 (MANE Select); coding-DNA position 225, G replaced by A.
Protein change: p.Glu75=; no amino-acid change (glutamic acid 75 retained).
Molecular consequence: synonymous variant.
Genome position (GRCh38, 1-based): chr1:9,245,159, G>A. VCF-style: chr1-9245159-G-A. GRCh37 (hg19) VCF-style: chr1-9305218-G-A.
Other names: c.258G>A, p.Glu86= (NM_001282587.2).
Identifiers: ClinVar variation 4823514 (VCV004823514.4).
Genomic context (GRCh38, chr1:9,245,159, plus strand): 5'-GAGGGGTCACAGTTTTAGCTTCCATGGAGCTGCTCTGACAGCCCCCAAGCAGGGTCAAGA[G>A]CTCATGGCCAAGGCCCTGGAATCCCTCTCCTGCCCCAAGGACATGGCACCCAGTCACTGT-3'
Protein context (NP_004276.2, residues 65-85): AALTAPKQGQ[Glu75=]LMAKALESLS

ClinVar aggregate classification (germline): Likely benign (1 of 4 stars; one submission).

Submission:

CeGaT Center for Human Genetics Tuebingen
Classification: Likely benign. Last evaluated: 2026-03-01. Review status: criteria provided, single submitter. Criteria: CeGaT Center For Human Genetics Tuebingen Variant Classification Criteria Version 2. Collection method: clinical testing. Allele origin: germline. Affected: yes. Observed: 1 variant allele.
Comment: H6PD: BP4, BP7